The following is an entry in ClinVar:

ClinVar aggregate classification (germline): Uncertain significance (1 of 4 stars; one submission).

Submission:

GeneDx
Classification: Uncertain significance. Last evaluated: 2026-02-10. Review status: criteria provided, single submitter. Criteria: GeneDx Variant Classification Process June 2021. Collection method: clinical testing. Allele origin: germline.
Comment: Not observed at significant frequency in large population cohorts (gnomAD); In-frame deletion of 4 amino acid(s) in a non-repeat region; In silico analysis suggests that this variant does not alter protein structure/function; Has not been previously published as pathogenic or benign to our knowledge; In silico analysis is inconclusive as to whether the variant alters gene splicing. In the absence of RNA/functional studies, the actual effect of this sequence change is unknown.

NM_003119.4(SPG7):c.76_87del (p.Gly26_Trp29del)

Genes: SPG7 (SPG7 matrix AAA peptidase subunit, paraplegin; plus strand), LOC130059818 (ATAC-STARR-seq lymphoblastoid silent region 7911; plus strand). Cytogenetic location: 16q24.3.
Variant type: Deletion.
Coding change: c.76_87del on transcript NM_003119.4 (MANE Select); coding-DNA positions 76 to 87, 12 bases deleted (GGCCCGGCCTGG).
Protein change: p.Gly26_Trp29del.
Molecular consequence: inframe deletion.
Genome position (GRCh38, 1-based): chr16:89,508,493-89,508,504, GGCCCGGCCTGG deleted. VCF-style (leftmost placement, unchanged base first): chr16-89508492-AGGCCCGGCCTGG-A. GRCh37 (hg19) VCF-style: chr16-89574900-AGGCCCGGCCTGG-A.
Other names: c.76_87del, p.Gly26_Trp29del (NM_001363850.1, NM_199367.3).
Identifiers: ClinVar variation 4976335 (VCV004976335.1).